The following is an entry in ClinVar:

ClinVar aggregate classification (germline): Uncertain significance. Review status: criteria provided, multiple submitters, no conflicts (2 of 4 stars). 2 submissions from 2 submitters: Uncertain significance (2). Last evaluated 2021-10-17.

Conditions:
Myopathy, myofibrillar, 9, with early respiratory failure (MFM9). Also called: EDSTROM MYOPATHY; MYOPATHY, PROXIMAL, WITH EARLY RESPIRATORY MUSCLE INVOLVEMENT; Myopathy, distal, with early respiratory failure, autosomal dominant; Hereditary myopathy with early respiratory failure. Identifiers: Orphanet 178464, Orphanet 34521, MedGen C1863599, MONDO:0011362, OMIM 603689.
Early-onset myopathy with fatal cardiomyopathy (CMYO5). Also called: CONGENITAL MYOPATHY 5 WITH CARDIOMYOPATHY; Salih Myopathy. Identifiers: Orphanet 289377, MedGen C2673677, MONDO:0012714, OMIM 611705. Disease mechanism: loss of function.
Hypertrophic cardiomyopathy 9. Also called: Familial hypertrophic cardiomyopathy 9. Identifiers: MedGen C1861065, MONDO:0013412, OMIM 613765.
Dilated cardiomyopathy 1G (CMD1G). Identifiers: Orphanet 154, MedGen C1858763, MONDO:0011400, OMIM 604145.
Tibial muscular dystrophy (TMD). Also called: UDD MYOPATHY; Tibial muscular dystrophy, tardive; Udd Distal Myopathy – Tibial Muscular Dystrophy. Identifiers: Orphanet 609, MedGen C1838244, MONDO:0010870, OMIM 600334.
Autosomal recessive limb-girdle muscular dystrophy type 2J (LGMDR10). Also called: MUSCULAR DYSTROPHY, LIMB-GIRDLE, AUTOSOMAL RECESSIVE 10; Limb-girdle muscular dystrophy, type 2J. Identifiers: Orphanet 140922, MedGen C1837342, MONDO:0012127, OMIM 608807.

Allele frequency attached by ClinVar (database versions not stated): gnomAD exomes below 0.00001 and 0.00001; ExAC 0.00001.
gnomAD v4.1: 7 of 1,613,012 alleles (0.00043%); highest among the groups gnomAD compares: Non-Finnish European, 0.00059%; no homozygotes.

Submissions (2):

Fulgent Genetics
Classification: Uncertain significance for Tibial muscular dystrophy; Myopathy, myofibrillar, 9, with early respiratory failure; Dilated cardiomyopathy 1G; Autosomal recessive limb-girdle muscular dystrophy type 2J; Early-onset myopathy with fatal cardiomyopathy; Hypertrophic cardiomyopathy 9. Last evaluated: 2021-10-17. Review status: criteria provided, single submitter. Criteria: ACMG Guidelines, 2015. Collection method: clinical testing. Allele origin: unknown.

GeneDx
Classification: Uncertain significance. Last evaluated: 2018-01-11. Review status: criteria provided, single submitter. Criteria: GeneDx Variant Classification (06012015). Collection method: clinical testing. Allele origin: germline. Affected: yes.
Comment: A variant of uncertain significance has been identified in the TTN gene. The c.39281 A>G (N13094S) variant has not been published as pathogenic or been reported as benign to our knowledge. This variant is also not observed at a significant frequency in large population cohorts (Lek et al., 2016). The c.39281 A>G variant is located within exon 189 of the TTN gene and may be functionally significant at protein and/or mRNA level. At the protein level, c.39281 A>G results in the N13094S conservative amino acid substitution, which is not likely to impact secondary protein structure as these residues share similar properties. However, in-silico analyses, including protein predictors and evolutionary conservation, support a deleterious effect. At the mRNA level, in silico splice prediction programs predict that c.39281 A>G may affect splicing by creating a cryptic splice acceptor site downstream of the natural splice acceptor site in intron 188. Nevertheless, in the absence of functional mRNA studies, the physiological consequence of this variant cannot be precisely determined. Furthermore, the majority of pathogenic variants reported in association with DCM are truncating variants in the A-band region of titin (Herman et al., 2012), while the clinical significance of variants in the I-band, where c.39281 A>G occurs, is not well characterized. Finally, truncating TTN variants have been reported in approximately 3% of control alleles (Herman et al., 2012).

NM_001267550.2(TTN):c.44204A>G (p.Asn14735Ser)

Gene: TTN (titin; minus strand). Cytogenetic location: 2q31.2.
Variant type: single nucleotide variant.
Coding change: c.44204A>G on transcript NM_001267550.2 (MANE Select); coding-DNA position 44204, A replaced by G.
Protein change: p.Asn14735Ser; replaces asparagine 14735 with serine.
Molecular consequence: missense variant.
Genome position (GRCh38, 1-based): chr2:178,630,318, T>C on the plus strand (A>G on the coding strand, the complement: TTN is on the minus strand). VCF-style: chr2-178630318-T-C. GRCh37 (hg19) VCF-style: chr2-179495045-T-C.
Other names: p.N13094S:AAC>AGC; c.39281A>G, p.Asn13094Ser (NM_001256850.1); c.17009A>G, p.Asn5670Ser (NM_003319.4); c.36500A>G, p.Asn12167Ser (NM_133378.4); c.17384A>G, p.Asn5795Ser (NM_133432.3); c.17585A>G, p.Asn5862Ser (NM_133437.4); short protein forms N13094S, N14735S, N5795S, N12167S, N5862S, N5670S.
Identifiers: ClinVar variation 202635 (VCV000202635.3), dbSNP rs763464756, ClinGen allele CA309823.